The following is an entry in ClinVar:

ClinVar aggregate classification (germline): Uncertain significance. Review status: criteria provided, multiple submitters, no conflicts (2 of 4 stars). 2 submissions from 2 submitters: Uncertain significance (2). Last evaluated 2025-12-29.

Conditions:
Inborn genetic diseases. Identifiers: MedGen C0950123, MeSH D030342.
Aicardi-Goutieres syndrome 6 (AGS6). Identifiers: Orphanet 51, MedGen C3539013, MONDO:0014007, OMIM 615010.
Symmetrical dyschromatosis of extremities (DSH). Also called: SYMMETRIC DYSCHROMATOSIS OF THE EXTREMITIES; Dyschromatosis symmetrica hereditaria; RETICULATE ACROPIGMENTATION OF DOHI; DYSCHROMATOSIS SYMMETRICA HEREDITARIA 1. Identifiers: Orphanet 41, MedGen C0406775, MONDO:0007483, OMIM 127400.

gnomAD v4.1: 20 of 1,614,046 alleles (0.0012%); highest among the groups gnomAD compares: Admixed American, 0.01%; no homozygotes.

Submissions (2):

Labcorp Genetics (formerly Invitae), Labcorp
Classification: Uncertain significance for Aicardi-Goutieres syndrome 6; Symmetrical dyschromatosis of extremities. Last evaluated: 2025-12-29. Review status: criteria provided, single submitter. Criteria: Invitae Variant Classification Sherloc (09022015). Collection method: clinical testing. Allele origin: germline.
Comment: This sequence change replaces alanine, which is neutral and non-polar, with threonine, which is neutral and polar, at codon 515 of the ADAR protein (p.Ala515Thr). This variant is present in population databases (rs200830156, gnomAD 0.009%). This variant has not been reported in the literature in individuals affected with ADAR-related conditions. ClinVar contains an entry for this variant (Variation ID: 1493776). Invitae Evidence Modeling of protein sequence and biophysical properties (such as structural, functional, and spatial information, amino acid conservation, physicochemical variation, residue mobility, and thermodynamic stability) indicates that this missense variant is not expected to disrupt ADAR protein function with a negative predictive value of 80%. In summary, the available evidence is currently insufficient to determine the role of this variant in disease. Therefore, it has been classified as a Variant of Uncertain Significance.

Ambry Genetics
Classification: Uncertain significance for Inborn genetic diseases. Last evaluated: 2025-07-15. Review status: criteria provided, single submitter. Criteria: Ambry Variant Classification Scheme 2023. Collection method: clinical testing. Allele origin: germline.

NM_001111.5(ADAR):c.1543G>A (p.Ala515Thr)

Gene: ADAR (adenosine deaminase RNA specific; minus strand). Cytogenetic location: 1q21.3.
Variant type: single nucleotide variant.
Coding change: c.1543G>A on transcript NM_001111.5 (MANE Select); coding-DNA position 1543, G replaced by A.
Protein change: p.Ala515Thr; replaces alanine 515 with threonine.
Molecular consequence: missense variant.
Genome position (GRCh38, 1-based): chr1:154,601,099, C>T on the plus strand (G>A on the coding strand, the complement: ADAR is on the minus strand). VCF-style: chr1-154601099-C-T. GRCh37 (hg19) VCF-style: chr1-154573575-C-T.
Other names: c.658G>A, p.Ala220Thr (NM_001025107.3, NM_001193495.2, NM_001365046.1 and 3 more transcripts); c.1570G>A, p.Ala524Thr (NM_001365045.1); c.1543G>A, p.Ala515Thr (NM_015840.4, NM_015841.4); c.1543G>A (NM_001111.4); short protein forms A220T, A524T, A515T.
Identifiers: ClinVar variation 1493776 (VCV001493776.7), dbSNP rs200830156, ClinGen allele CA1131535.